The following is an entry in ClinVar:

ClinVar aggregate classification (germline): Uncertain significance (1 of 4 stars; one submission).

Allele frequency attached by ClinVar (database versions not stated): TOPMed 0.00001.

Submission:

Ambry Genetics
Classification: Uncertain significance. Last evaluated: 2024-09-02. Review status: criteria provided, single submitter. Criteria: Ambry Variant Classification Scheme 2023. Collection method: clinical testing. Allele origin: germline.
Comment: The p.H133L variant (also known as c.398A>T), located in coding exon 2 of the IDH1 gene, results from an A to T substitution at nucleotide position 398. The histidine at codon 133 is replaced by leucine, an amino acid with similar properties. This amino acid position is conserved. In addition, this alteration is predicted to be deleterious by in silico analysis. Since supporting evidence is limited at this time, the clinical significance of this alteration remains unclear.

NM_005896.4(IDH1):c.398A>T (p.His133Leu)

Gene: IDH1 (isocitrate dehydrogenase (NADP(+)) 1; minus strand). Cytogenetic location: 2q34.
Variant type: single nucleotide variant.
Coding change: c.398A>T on transcript NM_005896.4 (MANE Select); coding-DNA position 398, A replaced by T.
Protein change: p.His133Leu; replaces histidine 133 with leucine.
Molecular consequence: missense variant.
Genome position (GRCh38, 1-based): chr2:208,248,385, T>A on the plus strand (A>T on the coding strand, the complement: IDH1 is on the minus strand). VCF-style: chr2-208248385-T-A. GRCh37 (hg19) VCF-style: chr2-209113109-T-A.
Other names: c.398A>T, p.His133Leu (NM_001282386.1, NM_001282387.1); short protein forms H133L.
Identifiers: ClinVar variation 1736752 (VCV001736752.3), dbSNP rs1688060865, ClinGen allele CA350101005.
Genomic context (GRCh38, chr2:208,248,385, plus strand): 5'-AAAAAAAAAACATGCAAAATCACATTATTGCCAACATGACTTACTTGATCCCCATAAGCA[T>A]GACGACCTATGATGATAGGTTTTACCCATCCACTCACAAGCCGGGGGATATTTTTGCAGA-3'
Protein context (NP_005887.2, residues 123-143): GWVKPIIIGR[His133Leu]AYGDQYRATD